The following is an entry in ClinVar:

ClinVar aggregate classification (germline): Pathogenic/Likely pathogenic. Review status: criteria provided, multiple submitters, no conflicts (2 of 4 stars). 2 submissions from 2 submitters: Pathogenic (1); Likely pathogenic (1). Last evaluated 2024-01-18.

Conditions:
Progressive myoclonic epilepsy. Also called: Myoclonus epilepsy; Familial progressive myoclonic epilepsy; Progressive myoclonus epilepsy; Myoclonic Epilepsies, Progressive. Identifiers: Orphanet 308, Orphanet 98261, MedGen C0751778, MONDO:0020074.
Action myoclonus-renal failure syndrome. Also called: MYOCLONUS-NEPHROPATHY SYNDROME; SCARB2-Related Action Myoclonus-Renal Failure Syndrome; EPILEPSY, PROGRESSIVE MYOCLONIC, 4, WITH RENAL FAILURE; EPILEPSY, PROGRESSIVE MYOCLONIC, 4, WITHOUT RENAL FAILURE. Identifiers: Orphanet 163696, MedGen C0751779, MeSH D020191, MONDO:0009699, OMIM 254900.

Submissions (2):

Fulgent Genetics
Classification: Likely pathogenic for Action myoclonus-renal failure syndrome. Last evaluated: 2024-01-18. Review status: criteria provided, single submitter. Criteria: ACMG Guidelines, 2015. Collection method: clinical testing. Allele origin: germline.

Labcorp Genetics (formerly Invitae), Labcorp
Classification: Pathogenic for Progressive myoclonic epilepsy. Last evaluated: 2022-06-02. Review status: criteria provided, single submitter. Criteria: Invitae Variant Classification Sherloc (09022015). Collection method: clinical testing. Allele origin: germline.
Comment: This sequence change creates a premature translational stop signal (p.Gln30*) in the SCARB2 gene. It is expected to result in an absent or disrupted protein product. Loss-of-function variants in SCARB2 are known to be pathogenic (PMID: 19847901). This variant is not present in population databases (gnomAD no frequency). This variant has not been reported in the literature in individuals affected with SCARB2-related conditions. For these reasons, this variant has been classified as Pathogenic.

Literature cited by the submitters: PubMed 19847901 (cited by Labcorp Genetics (formerly Invitae), Labcorp).

NM_005506.4(SCARB2):c.88C>T (p.Gln30Ter)

Gene: SCARB2 (scavenger receptor class B member 2; minus strand). Cytogenetic location: 4q21.1.
Variant type: single nucleotide variant.
Coding change: c.88C>T on transcript NM_005506.4 (MANE Select); coding-DNA position 88, C replaced by T.
Protein change: p.Gln30Ter; replaces glutamine 30 with a stop codon.
Molecular consequence: nonsense.
Genome position (GRCh38, 1-based): chr4:76,213,456, G>A on the plus strand (C>T on the coding strand, the complement: SCARB2 is on the minus strand). VCF-style: chr4-76213456-G-A. GRCh37 (hg19) VCF-style: chr4-77134609-G-A.
Other names: c.88C>T, p.Gln30Ter (NM_001204255.2); short protein forms Q30*.
Identifiers: ClinVar variation 2088984 (VCV002088984.2), dbSNP rs2476318271, ClinGen allele CA357327854.